The following is an entry in ClinVar:

ClinVar aggregate classification (germline): Conflicting classifications of pathogenicity. Review status: criteria provided, conflicting classifications (1 of 4 stars). 7 submissions from 7 submitters: Uncertain significance (5); Likely benign (1). 1 of the submissions does not count toward it. Last evaluated 2026-02-02.

Conditions:
FH-related disorder. Also called: FH-related disorders; FH-related condition.
Hereditary cancer-predisposing syndrome. Also called: Tumor predisposition; Hereditary neoplastic syndrome; Neoplastic Syndromes, Hereditary; Hereditary Cancer Syndrome. Identifiers: Orphanet 140162, MedGen C0027672, MeSH D009386, MONDO:0015356.
Hereditary leiomyomatosis and renal cell cancer. Also called: Familial leiomyomatosis; MULTIPLE CUTANEOUS AND UTERINE LEIOMYOMATA 1, WITH OR WITHOUT RENAL CELL CARCINOMA; FH tumor predisposition syndrome; LEIOMYOMA, MULTIPLE CUTANEOUS; Reed syndrome; Multiple cutaneous and uterine leiomyomatosis. Identifiers: Orphanet 523, MedGen C1708350, MONDO:0007888, OMIM 150800, HP:0007437. Disease mechanism: loss of function.
Fumarase deficiency (FMRD). Also called: Fumaric aciduria; Fumarate Hydratase Deficiency. Identifiers: Orphanet 24, MedGen C0342770, MONDO:0011730, OMIM 606812.

Allele frequency attached by ClinVar (database versions not stated): gnomAD below 0.00001 and 0.00005; TOPMed 0.00001; gnomAD exomes 0.00009 and 0.00018; ExAC 0.00020.
gnomAD v4.1: 151 of 1,613,826 alleles (0.0094%); highest among the groups gnomAD compares: South Asian, 0.15%; 3 homozygotes.

Submissions (7):

Labcorp Genetics (formerly Invitae), Labcorp
Classification: Uncertain significance. Last evaluated: 2026-02-02. Review status: criteria provided, single submitter. Criteria: Invitae Variant Classification Sherloc (09022015). Collection method: clinical testing. Allele origin: germline.
Comment: This sequence change replaces proline, which is neutral and non-polar, with arginine, which is basic and polar, at codon 304 of the FH protein (p.Pro304Arg). This variant is present in population databases (rs200491078, gnomAD 0.1%). This variant has not been reported in the literature in individuals affected with FH-related conditions. ClinVar contains an entry for this variant (Variation ID: 460381). Invitae Evidence Modeling of protein sequence and biophysical properties (such as structural, functional, and spatial information, amino acid conservation, physicochemical variation, residue mobility, and thermodynamic stability) has been performed for this missense variant. However, the output from this modeling did not meet the statistical confidence thresholds required to predict the impact of this variant on FH protein function. In summary, the available evidence is currently insufficient to determine the role of this variant in disease. Therefore, it has been classified as a Variant of Uncertain Significance.

Ambry Genetics
Classification: Uncertain significance for Hereditary cancer-predisposing syndrome. Last evaluated: 2025-12-22. Review status: criteria provided, single submitter. Criteria: Ambry Variant Classification Scheme 2023. Collection method: clinical testing. Allele origin: germline.
Comment: The p.P304R variant (also known as c.911C>G), located in coding exon 7 of the FH gene, results from a C to G substitution at nucleotide position 911. The proline at codon 304 is replaced by arginine, an amino acid with dissimilar properties. This variant has been detected in multiple individuals with no reported features of FH-related tumor predisposition (Ambry internal data). Based on data from gnomAD, the frequency for this variant is above the maximum credible frequency for a disease-causing variant in this gene based on internally established thresholds (Karczewski et al. Nature. 2020 May;581(7809):434-443; Whiffin et al. Genet Med. 2017 10;19:1151-1158). This amino acid position is highly conserved in available vertebrate species. In addition, this alteration is predicted to be deleterious by in silico analysis. Based on the available evidence, the clinical significance of this variant remains unclear.

PreventionGenetics, part of Exact Sciences
Classification: Uncertain significance for FH-related condition. Last evaluated: 2025-08-05. Review status: criteria provided, single submitter. Criteria: ACMG Guidelines, 2015. Collection method: clinical testing. Allele origin: germline.
Comment: The FH c.911C>G variant is predicted to result in the amino acid substitution p.Pro304Arg. To our knowledge, this variant has not been reported in the literature in individuals with FH-related disease. This variant is reported in 0.14% of alleles in individuals of South Asian descent in gnomAD and has conflicting interpretations in ClinVar, ranging from uncertain to likely benign (Variation ID: 460381). While this variant may be benign, at this time, the clinical significance of this variant is uncertain due to the absence of conclusive functional and genetic evidence.

GeneDx
Classification: Uncertain significance. Last evaluated: 2025-07-14. Review status: criteria provided, single submitter. Criteria: GeneDx Variant Classification Process June 2021. Collection method: clinical testing. Allele origin: germline. Affected: yes.
Comment: In silico analysis supports that this missense variant has a deleterious effect on protein structure/function; Not observed in any cases, but was observed in unaffected controls from a melanoma study (PMID: 29641532); This variant is associated with the following publications: (PMID: 29641532)

Myriad Genetics, Inc.
Classification: Likely benign for Hereditary leiomyomatosis and renal cell cancer. Last evaluated: 2024-08-27. Review status: criteria provided, single submitter. Criteria: Myriad Autosomal Dominant, Autosomal Recessive and X-Linked Classification Criteria (2023). Collection method: clinical testing. Allele origin: unknown.
Comment: This variant is considered likely benign. This variant has been observed at a population frequency that is significantly greater than expected given the associated disease prevalence and penetrance.

Baylor Genetics
Classification: Uncertain significance for Fumarase deficiency. Last evaluated: 2023-09-22. Review status: criteria provided, single submitter. Criteria: ACMG Guidelines, 2015. Collection method: clinical testing. Allele origin: unknown.

Natera, Inc.
Classification: Uncertain significance for Fumarase deficiency. Last evaluated: 2020-09-16. Review status: no assertion criteria provided. Collection method: clinical testing. Allele origin: germline. Not counted in ClinVar's aggregate classification.

Literature cited by the submitters: PubMed 29641532 (cited by Ambry Genetics).

NM_000143.4(FH):c.911C>G (p.Pro304Arg)

Gene: FH (fumarate hydratase; minus strand). Cytogenetic location: 1q43.
Variant type: single nucleotide variant.
Coding change: c.911C>G on transcript NM_000143.4 (MANE Select); coding-DNA position 911, C replaced by G.
Protein change: p.Pro304Arg; replaces proline 304 with arginine.
Molecular consequence: missense variant.
Genome position (GRCh38, 1-based): chr1:241,504,239, G>C on the plus strand (C>G on the coding strand, the complement: FH is on the minus strand). VCF-style: chr1-241504239-G-C. GRCh37 (hg19) VCF-style: chr1-241667539-G-C.
Other names: short protein forms P304R.
Identifiers: ClinVar variation 460381 (VCV000460381.18), dbSNP rs200491078, ClinGen allele CA1478574.
Genomic context (GRCh38, chr1:241,504,239, plus strand): 5'-AGCTCAACCAGAGCGTCATGAGCAGCCAGAGCTTCAAATTTATTCGGAGCAGTGACAAAA[G>C]GCAAGCCTAAAGAAAAGAAAAATATCCTAGATGGGTGAACAAGTTAAACTAAACATTTTT-3'
Protein context (NP_000134.2, residues 294-314): AAKVAALTGL[Pro304Arg]FVTAPNKFEA